The following is an entry in ClinVar:

ClinVar aggregate classification (germline): Uncertain significance (1 of 4 stars; one submission).

Submission:

Labcorp Genetics (formerly Invitae), Labcorp
Classification: Uncertain significance. Last evaluated: 2025-12-01. Review status: criteria provided, single submitter. Criteria: Invitae Variant Classification Sherloc (09022015). Collection method: clinical testing. Allele origin: germline.
Comment: This sequence change replaces glutamic acid, which is acidic and polar, with lysine, which is basic and polar, at codon 33 of the INPPL1 protein (p.Glu33Lys). This variant is not present in population databases (gnomAD no frequency). This variant has not been reported in the literature in individuals affected with INPPL1-related conditions. An algorithm developed to predict the effect of missense changes on protein structure and function (PolyPhen-2) suggests that this variant is likely to be disruptive. In summary, the available evidence is currently insufficient to determine the role of this variant in disease. Therefore, it has been classified as a Variant of Uncertain Significance.

NM_001567.4(INPPL1):c.97G>A (p.Glu33Lys)

Genes: INPPL1 (inositol polyphosphate phosphatase like 1; plus strand), LOC130006328 (ATAC-STARR-seq lymphoblastoid silent region 3717; plus strand). Cytogenetic location: 11q13.4.
Variant type: single nucleotide variant.
Coding change: c.97G>A on transcript NM_001567.4 (MANE Select); coding-DNA position 97, G replaced by A.
Protein change: p.Glu33Lys; replaces glutamic acid 33 with lysine.
Molecular consequence: missense variant.
Genome position (GRCh38, 1-based): chr11:72,225,081, G>A. VCF-style: chr11-72225081-G-A. GRCh37 (hg19) VCF-style: chr11-71936125-G-A.
Other names: c.97G>A, p.Glu33Lys (NM_001440434.1, NM_001440435.1, NM_001440436.1 and 2 more transcripts); short protein forms E33K.
Identifiers: ClinVar variation 4751789 (VCV004751789.1).